The following is an entry in ClinVar:

ClinVar aggregate classification (germline): Uncertain significance (1 of 4 stars; one submission).

Conditions:
Hereditary cancer-predisposing syndrome. Also called: Neoplastic Syndromes, Hereditary; Tumor predisposition; Hereditary neoplastic syndrome; Hereditary Cancer Syndrome. Identifiers: Orphanet 140162, MedGen C0027672, MeSH D009386, MONDO:0015356.

Submission:

Ambry Genetics
Classification: Uncertain significance for Hereditary cancer-predisposing syndrome. Last evaluated: 2026-07-06. Review status: criteria provided, single submitter. Criteria: Ambry Variant Classification Scheme 2023. Collection method: clinical testing. Allele origin: germline.
Comment: The p.S147Y variant (also known as c.440C>A), located in coding exon 5 of the SDHC gene, results from a C to A substitution at nucleotide position 440. The serine at codon 147 is replaced by tyrosine, an amino acid with dissimilar properties. This amino acid position is conserved. In addition, this alteration is predicted to be tolerated by in silico analysis. Based on the available evidence, the clinical significance of this variant remains unclear.

NM_003001.5(SDHC):c.*94C>A

Gene: SDHC (succinate dehydrogenase complex subunit C; plus strand). Cytogenetic location: 1q23.3.
Variant type: single nucleotide variant.
Coding change: c.*94C>A on transcript NM_003001.5 (MANE Select); 94 bases downstream of the stop codon, C replaced by A.
Molecular consequence: 3 prime UTR variant. On other transcripts: missense variant (3), non-coding transcript variant (1).
Genome position (GRCh38, 1-based): chr1:161,362,527, C>A. VCF-style: chr1-161362527-C-A. GRCh37 (hg19) VCF-style: chr1-161332317-C-A.
Other names: c.*94C>A (NM_001035512.3, NM_001035513.3, NM_001407115.1 and 5 more transcripts); c.338C>A, p.Ser113Tyr (NM_001278172.3); c.383C>A, p.Ser128Tyr (NM_001407121.1); c.440C>A, p.Ser147Tyr (NM_001035511.3); short protein forms S147Y, S113Y, S128Y.
Identifiers: ClinVar variation 5029346 (VCV005029346.1).